The following is an entry in ClinVar:

ClinVar aggregate classification (germline): Uncertain significance. Review status: criteria provided, multiple submitters, no conflicts (2 of 4 stars). 2 submissions from 2 submitters: Uncertain significance (2). Last evaluated 2025-08-29.

Conditions:
SCAPER-related disorder. Also called: SCAPER-related condition.
Inborn genetic diseases. Identifiers: MedGen C0950123, MeSH D030342.

gnomAD v4.1: 4 of 1,613,722 alleles (0.00025%); highest among the groups gnomAD compares: East Asian, 0.0067%; no homozygotes.

Submissions (2):

PreventionGenetics, part of Exact Sciences
Classification: Uncertain significance for SCAPER-related condition. Last evaluated: 2025-08-29. Review status: criteria provided, single submitter. Criteria: ACMG Guidelines, 2015. Collection method: clinical testing. Allele origin: germline.
Comment: The SCAPER c.2510T>C variant is predicted to result in the amino acid substitution p.Leu837Pro. To our knowledge, this variant has not been reported in the literature. This variant is reported in 0.011% of alleles in individuals of East Asian descent in gnomAD. At this time, the clinical significance of this variant is uncertain due to the absence of conclusive functional and genetic evidence.

Ambry Genetics
Classification: Uncertain significance for Inborn genetic diseases. Last evaluated: 2025-04-02. Review status: criteria provided, single submitter. Criteria: Ambry Variant Classification Scheme 2023. Collection method: clinical testing. Allele origin: germline.

NM_020843.4(SCAPER):c.2492T>C (p.Leu831Pro)

Gene: SCAPER (S-phase cyclin A associated protein in the ER; minus strand). Cytogenetic location: 15q24.3.
Variant type: single nucleotide variant.
Coding change: c.2492T>C on transcript NM_020843.4 (MANE Select); coding-DNA position 2492, T replaced by C.
Protein change: p.Leu831Pro; replaces leucine 831 with proline.
Molecular consequence: missense variant. On other transcripts: non-coding transcript variant (1).
Genome position (GRCh38, 1-based): chr15:76,701,774, A>G on the plus strand (T>C on the coding strand, the complement: SCAPER is on the minus strand). VCF-style: chr15-76701774-A-G. GRCh37 (hg19) VCF-style: chr15-76994115-A-G.
Other names: c.1754T>C, p.Leu585Pro (NM_001145923.2); c.2510T>C, p.Leu837Pro (NM_001353009.2); c.2090T>C, p.Leu697Pro (NM_001353010.2, NM_001353012.2); c.2108T>C, p.Leu703Pro (NM_001353011.2); c.2510T>C (NM_001353009.1); short protein forms L585P, L703P, L697P, L831P, L837P.
Identifiers: ClinVar variation 3950621 (VCV003950621.2).